The following is an entry in ClinVar:

NM_177438.3(DICER1):c.2509A>G (p.Met837Val)

Gene: DICER1 (dicer 1, ribonuclease III; minus strand). Cytogenetic location: 14q32.13.
Variant type: single nucleotide variant.
Coding change: c.2509A>G on transcript NM_177438.3 (MANE Select); coding-DNA position 2509, A replaced by G.
Protein change: p.Met837Val; replaces methionine 837 with valine.
Molecular consequence: missense variant.
Genome position (GRCh38, 1-based): chr14:95,108,021, T>C on the plus strand (A>G on the coding strand, the complement: DICER1 is on the minus strand). VCF-style: chr14-95108021-T-C. GRCh37 (hg19) VCF-style: chr14-95574358-T-C.
Other names: c.2509A>G, p.Met837Val (NM_001195573.1, NM_001271282.3, NM_001291628.2 and 1 more transcripts); short protein forms M837V.
Identifiers: ClinVar variation 845422 (VCV000845422.13), dbSNP rs1891606303, ClinGen allele CA390881875.

ClinVar aggregate classification (germline): Uncertain significance. Review status: criteria provided, multiple submitters, no conflicts (2 of 4 stars). 3 submissions from 3 submitters: Uncertain significance (3). Last evaluated 2026-01-05.

Conditions:
DICER1-related tumor predisposition. Also called: DICER1 syndrome; DICER1-related pleuropulmonary blastoma cancer predisposition syndrome. Identifiers: Orphanet 284343, MedGen C3839822, MONDO:0100216.
Hereditary cancer-predisposing syndrome. Also called: Neoplastic Syndromes, Hereditary; Hereditary neoplastic syndrome; Tumor predisposition; Hereditary Cancer Syndrome. Identifiers: Orphanet 140162, MedGen C0027672, MeSH D009386, MONDO:0015356.

Allele frequency attached by ClinVar (database versions not stated): gnomAD exomes below 0.00001; TOPMed below 0.00001.
gnomAD v4.1: 3 of 1,613,720 alleles (0.00019%); highest among the groups gnomAD compares: Non-Finnish European, 0.00025%; no homozygotes.

Submissions (3):

Labcorp Genetics (formerly Invitae), Labcorp
Classification: Uncertain significance for DICER1-related tumor predisposition. Last evaluated: 2026-01-05. Review status: criteria provided, single submitter. Criteria: Invitae Variant Classification Sherloc (09022015). Collection method: clinical testing. Allele origin: germline.
Comment: This sequence change replaces methionine, which is neutral and non-polar, with valine, which is neutral and non-polar, at codon 837 of the DICER1 protein (p.Met837Val). This variant is not present in population databases (gnomAD no frequency). This variant has not been reported in the literature in individuals affected with DICER1-related conditions. ClinVar contains an entry for this variant (Variation ID: 845422). Invitae Evidence Modeling of protein sequence and biophysical properties (such as structural, functional, and spatial information, amino acid conservation, physicochemical variation, residue mobility, and thermodynamic stability) indicates that this missense variant is not expected to disrupt DICER1 protein function with a negative predictive value of 95%. In summary, the available evidence is currently insufficient to determine the role of this variant in disease. Therefore, it has been classified as a Variant of Uncertain Significance.

GeneDx
Classification: Uncertain significance. Last evaluated: 2025-02-05. Review status: criteria provided, single submitter. Criteria: GeneDx Variant Classification Process June 2021. Collection method: clinical testing. Allele origin: germline. Affected: yes.
Comment: Not observed at significant frequency in large population cohorts (gnomAD); In silico analysis indicates that this missense variant does not alter protein structure/function; Has not been previously published as pathogenic or benign to our knowledge

Ambry Genetics
Classification: Uncertain significance for Hereditary cancer-predisposing syndrome. Last evaluated: 2023-04-17. Review status: criteria provided, single submitter. Criteria: Ambry Variant Classification Scheme 2023. Collection method: clinical testing. Allele origin: germline.
Comment: The p.M837V variant (also known as c.2509A>G), located in coding exon 15 of the DICER1 gene, results from an A to G substitution at nucleotide position 2509. The methionine at codon 837 is replaced by valine, an amino acid with highly similar properties. This amino acid position is poorly conserved in available vertebrate species. In addition, this alteration is predicted to be tolerated by in silico analysis. Since supporting evidence is limited at this time, the clinical significance of this alteration remains unclear.